The following is an entry in ClinVar:

ClinVar aggregate classification (germline): Likely pathogenic (1 of 4 stars; one submission).

Conditions:
Osteogenesis imperfecta type I (OI1). Also called: Lobstein's Disease; OI, TYPE I; OSTEOGENESIS IMPERFECTA TARDA; OSTEOGENESIS IMPERFECTA WITH BLUE SCLERAE; Lobstein disease; Classic Non-deforming Osteogenesis Imperfecta with Blue Sclerae. Identifiers: Orphanet 216796, Orphanet 666, MedGen C0023931, MONDO:0008146, OMIM 166200. Disease mechanism: loss of function.

Submission:

Labcorp Genetics (formerly Invitae), Labcorp
Classification: Likely pathogenic for Osteogenesis imperfecta type I. Last evaluated: 2024-02-14. Review status: criteria provided, single submitter. Criteria: Invitae Variant Classification Sherloc (09022015). Collection method: clinical testing. Allele origin: germline.
Comment: This sequence change falls in intron 6 of the COL1A1 gene. It does not directly change the encoded amino acid sequence of the COL1A1 protein. It affects a nucleotide within the consensus splice site. This variant is not present in population databases (gnomAD no frequency). This variant has been observed in individual(s) with clinical features of osteogenesis imperfecta (Invitae). ClinVar contains an entry for this variant (Variation ID: 948088). Variants that disrupt the consensus splice site are a relatively common cause of aberrant splicing (PMID: 17576681, 9536098). Algorithms developed to predict the effect of sequence changes on RNA splicing suggest that this variant may disrupt the consensus splice site. This variant disrupts the c.543+5G nucleotide in the COL1A1 gene. Other variant(s) that disrupt this nucleotide have been determined to be pathogenic (PMID: 25963598; Invitae). This suggests that this nucleotide is clinically significant, and that variants that disrupt this position are likely to be disease-causing. In summary, the currently available evidence indicates that the variant is pathogenic, but additional data are needed to prove that conclusively. Therefore, this variant has been classified as Likely Pathogenic.

Literature cited by the submitters: PubMed 17576681; PubMed 9536098; PubMed 25963598.

NM_000088.4(COL1A1):c.543+5G>C

Gene: COL1A1 (collagen type I alpha 1 chain; minus strand). Cytogenetic location: 17q21.33.
Variant type: single nucleotide variant.
Coding change: c.543+5G>C on transcript NM_000088.4 (MANE Select); 5 bases into the intron after coding-DNA position 543, G replaced by C.
Molecular consequence: intron variant.
Genome position (GRCh38, 1-based): chr17:50,198,428, C>G on the plus strand (G>C on the coding strand, the complement: COL1A1 is on the minus strand). VCF-style: chr17-50198428-C-G. GRCh37 (hg19) VCF-style: chr17-48275789-C-G.
Identifiers: ClinVar variation 948088 (VCV000948088.8), dbSNP rs1907787005, ClinGen allele CA1139665713.
Genomic context (GRCh38, chr17:50,198,428, plus strand): 5'-CTATGCCCACCTCCTCTGGATACCCATTCTCTCTTCTGTCATCCATGCTCCCCCTGCTGG[C>G]TCACCATGGGGCCAGGCACGGAAATTCCTCCGGTTGATTTCTCATCATAGCCATAAGACA-3'